The following is an entry in ClinVar:

NM_014946.4(SPAST):c.924dup (p.Arg309fs)

Gene: SPAST (spastin; plus strand). Cytogenetic location: 2p22.3.
Variant type: Duplication.
Coding change: c.924dup on transcript NM_014946.4 (MANE Select); coding-DNA position 924, one base duplicated (T; older notation c.924dupT).
Protein change: p.Arg309fs; shifts the reading frame from arginine 309.
Molecular consequence: frameshift variant.
Genome position (GRCh38, 1-based): chr2:32,115,755, T duplicated. VCF-style (leftmost placement, unchanged base first): chr2-32115754-C-CT. GRCh37 (hg19) VCF-style: chr2-32340823-C-CT.
Other names: c.921dup, p.Arg308fs (NM_001363823.2); c.825dup, p.Arg276fs (NM_001363875.2); c.828dup, p.Arg277fs (NM_001377959.1, NM_199436.2); short protein forms R276fs, R277fs, R308fs, R309fs.
Identifiers: ClinVar variation 994987 (VCV000994987.8), dbSNP rs1678805865, ClinGen allele CA1139656866.

ClinVar aggregate classification (germline): Pathogenic/Likely pathogenic. Review status: criteria provided, multiple submitters, no conflicts (2 of 4 stars). 2 submissions from 2 submitters: Pathogenic (1); Likely pathogenic (1). Last evaluated 2025-02-27.

Conditions:
Hereditary spastic paraplegia 4. Also called: Spastic paraplegia 4, autosomal dominant; Spastic Paraplegia 4; Familial spastic paraplegia autosomal dominant 2. Identifiers: Orphanet 100985, MedGen C1866855, MONDO:0008438, OMIM 182601.

Submissions (2):

Labcorp Genetics (formerly Invitae), Labcorp
Classification: Pathogenic for Hereditary spastic paraplegia 4. Last evaluated: 2025-02-27. Review status: criteria provided, single submitter. Criteria: Invitae Variant Classification Sherloc (09022015). Collection method: clinical testing. Allele origin: germline.
Comment: This sequence change creates a premature translational stop signal (p.Arg309Serfs*2) in the SPAST gene. It is expected to result in an absent or disrupted protein product. Loss-of-function variants in SPAST are known to be pathogenic (PMID: 20932283). This variant is not present in population databases (gnomAD no frequency). This variant has not been reported in the literature in individuals affected with SPAST-related conditions. ClinVar contains an entry for this variant (Variation ID: 994987). For these reasons, this variant has been classified as Pathogenic.

Athena Diagnostics
Classification: Likely pathogenic. Last evaluated: 2019-10-15. Review status: criteria provided, single submitter. Criteria: Athena Diagnostics Criteria. Collection method: clinical testing. Allele origin: unknown.
Comment: The variant results in a shift of the reading frame, and is therefore predicted to result in the loss of a functional protein. Not found in the total gnomAD dataset, and the data is high quality.

Literature cited by the submitters: PubMed 20932283 (cited by Labcorp Genetics (formerly Invitae), Labcorp).